The following is an entry in ClinVar:

NM_006059.4(LAMC3):c.2236G>A (p.Ala746Thr)

Gene: LAMC3 (laminin subunit gamma 3; plus strand). Cytogenetic location: 9q34.12.
Variant type: single nucleotide variant.
Coding change: c.2236G>A on transcript NM_006059.4 (MANE Select); coding-DNA position 2236, G replaced by A.
Protein change: p.Ala746Thr; replaces alanine 746 with threonine.
Molecular consequence: missense variant.
Genome position (GRCh38, 1-based): chr9:131,061,112, G>A. VCF-style: chr9-131061112-G-A. GRCh37 (hg19) VCF-style: chr9-133936499-G-A.
Other names: c.2236G>A (NM_006059.3); short protein forms A746T.
Identifiers: ClinVar variation 1403163 (VCV001403163.8), dbSNP rs900991986, ClinGen allele CA200710963.

ClinVar aggregate classification (germline): Conflicting classifications of pathogenicity. Review status: criteria provided, conflicting classifications (1 of 4 stars). 2 submissions from 2 submitters: Uncertain significance (1); Likely benign (1). Last evaluated 2023-05-23.

Conditions:
Inborn genetic diseases. Identifiers: MedGen C0950123, MeSH D030342.

Allele frequency attached by ClinVar (database versions not stated): gnomAD exomes 0.00001.
gnomAD v4.1: 23 of 1,613,772 alleles (0.0014%); highest among the groups gnomAD compares: East Asian, 0.0022%; no homozygotes.

Submissions (2):

Ambry Genetics
Classification: Likely benign for Inborn genetic diseases. Last evaluated: 2023-05-23. Review status: criteria provided, single submitter. Criteria: Ambry Variant Classification Scheme 2023. Collection method: clinical testing. Allele origin: germline.

Labcorp Genetics (formerly Invitae), Labcorp
Classification: Uncertain significance. Last evaluated: 2021-02-12. Review status: criteria provided, single submitter. Criteria: Invitae Variant Classification Sherloc (09022015). Collection method: clinical testing. Allele origin: germline.
Comment: This sequence change replaces alanine with threonine at codon 746 of the LAMC3 protein (p.Ala746Thr). The alanine residue is weakly conserved and there is a small physicochemical difference between alanine and threonine. This variant is not present in population databases (ExAC no frequency). This variant has not been reported in the literature in individuals with LAMC3-related conditions. Algorithms developed to predict the effect of missense changes on protein structure and function output the following: SIFT: "Tolerated"; PolyPhen-2: "Benign"; Align-GVGD: "Class C0". The threonine amino acid residue is found in multiple mammalian species, suggesting that this missense change does not adversely affect protein function. These predictions have not been confirmed by published functional studies and their clinical significance is uncertain. In summary, the available evidence is currently insufficient to determine the role of this variant in disease. Therefore, it has been classified as a Variant of Uncertain Significance.